The following is an entry in ClinVar:

NM_199242.3(UNC13D):c.154-9G>A

Gene: UNC13D (unc-13 homolog D; minus strand). Cytogenetic location: 17q25.1.
Variant type: single nucleotide variant.
Coding change: c.154-9G>A on transcript NM_199242.3 (MANE Select); 9 bases into the intron before coding-DNA position 154, G replaced by A.
Molecular consequence: intron variant.
Genome position (GRCh38, 1-based): chr17:75,843,275, C>T on the plus strand (G>A on the coding strand, the complement: UNC13D is on the minus strand). VCF-style: chr17-75843275-C-T. GRCh37 (hg19) VCF-style: chr17-73839356-C-T.
Identifiers: ClinVar variation 1690790 (VCV001690790.5), dbSNP rs2064962405, ClinGen allele CA2510825745.
Genomic context (GRCh38, chr17:75,843,275, plus strand): 5'-GACCCAGGCGGTGCAAGACAGTGTAGAGTGCGTCCTCGTAGAGCAGGGCCCGCTAAGACA[C>T]ACGGGGTCACCTTGGGGACCCCACCAGCCACCCCTGGCACCAACACCTCTCGCCATGGGC-3'

ClinVar aggregate classification (germline): Conflicting classifications of pathogenicity. Review status: criteria provided, conflicting classifications (1 of 4 stars). 2 submissions from 2 submitters: Uncertain significance (1); Likely benign (1). Last evaluated 2023-10-16.

Conditions:
Familial hemophagocytic lymphohistiocytosis 3 (FHL3). Also called: UNC13D-Related Familial Hemophagocytic Lymphohistiocytosis (UNC13D-fHLH). Identifiers: Orphanet 540, MedGen C1837174, MONDO:0012146, OMIM 608898.

Submissions (2):

Labcorp Genetics (formerly Invitae), Labcorp
Classification: Likely benign for Familial hemophagocytic lymphohistiocytosis 3. Last evaluated: 2023-10-16. Review status: criteria provided, single submitter. Criteria: Invitae Variant Classification Sherloc (09022015). Collection method: clinical testing. Allele origin: germline.

Laboratorio de Genetica e Diagnostico Molecular, Hospital Israelita Albert Einstein
Classification: Uncertain significance. Last evaluated: 2020-02-06. Review status: criteria provided, single submitter. Criteria: ACMG Guidelines, 2015. Collection method: clinical testing. Allele origin: germline. Affected: yes.
Comment: ACMG classification criteria: PM2, BP4